The following is an entry in ClinVar:

ClinVar aggregate classification (germline): Uncertain significance (0 of 4 stars; one submission).

Conditions:
GPBAR1-related disorder. Also called: GPBAR1-related condition.

Submission:

PreventionGenetics, part of Exact Sciences
Classification: Uncertain significance for GPBAR1-related condition. Last evaluated: 2023-11-14. Review status: no assertion criteria provided. Collection method: clinical testing. Allele origin: germline.
Comment: The GPBAR1 c.385C>G variant is predicted to result in the amino acid substitution p.Leu129Val. To our knowledge, this variant has not been reported in the literature or in a large population database, indicating this variant is rare. At this time, the clinical significance of this variant is uncertain due to the absence of conclusive functional and genetic evidence.

NM_170699.3(GPBAR1):c.385C>G (p.Leu129Val)

Gene: GPBAR1 (G protein-coupled bile acid receptor 1; plus strand). Cytogenetic location: 2q35.
Variant type: single nucleotide variant.
Coding change: c.385C>G on transcript NM_170699.3 (MANE Select); coding-DNA position 385, C replaced by G.
Protein change: p.Leu129Val; replaces leucine 129 with valine.
Molecular consequence: missense variant.
Genome position (GRCh38, 1-based): chr2:218,263,109, C>G. VCF-style: chr2-218263109-C-G. GRCh37 (hg19) VCF-style: chr2-219127832-C-G.
Other names: c.385C>G, p.Leu129Val (NM_001077191.2, NM_001077194.2, NM_001321950.2); short protein forms L129V.
Identifiers: ClinVar variation 3034116 (VCV003034116.2), dbSNP rs2469238884, ClinGen allele CA350535675.